The following is an entry in ClinVar:

ClinVar aggregate classification (germline): Uncertain significance (1 of 4 stars; one submission).

Submission:

GeneDx
Classification: Uncertain significance. Last evaluated: 2019-11-07. Review status: criteria provided, single submitter. Criteria: GeneDx Variant Classification Process June 2021. Collection method: clinical testing. Allele origin: germline. Affected: yes.
Comment: Not observed in large population cohorts (Lek et al., 2016); Frameshift variant predicted to result in protein truncation or nonsense mediated decay in a gene for which loss-of-function is not a known mechanism of disease; Has not been previously published as pathogenic or benign to our knowledge

NM_144573.4(NEXN):c.1384_1387del (p.Glu462fs)

Gene: NEXN (nexilin F-actin binding protein; plus strand). Cytogenetic location: 1p31.1.
Variant type: Deletion.
Coding change: c.1384_1387del on transcript NM_144573.4 (MANE Select); coding-DNA positions 1384 to 1387, 4 bases deleted (GAAA; older notation c.1384_1387delGAAA).
Protein change: p.Glu462fs; shifts the reading frame from glutamic acid 462.
Molecular consequence: frameshift variant.
Genome position (GRCh38, 1-based): chr1:77,935,955-77,935,958, GAAA deleted; deleting any 4 consecutive bases within chr1:77,935,952-77,935,958 gives the same sequence; the c. name uses the placement nearest the transcript's 3' end. VCF-style (leftmost placement, unchanged base first): chr1-77935951-AAAAG-A. GRCh37 (hg19) VCF-style: chr1-78401636-AAAAG-A.
Other names: c.1192_1195del, p.Glu398fs (NM_001172309.2); short protein forms E398fs, E462fs.
Identifiers: ClinVar variation 1304010 (VCV001304010.2), dbSNP rs2102155747, ClinGen allele CA2573051621.